The following is an entry in ClinVar:

ClinVar aggregate classification (germline): Benign (1 of 4 stars; one submission).

Allele frequency attached by ClinVar (database versions not stated): gnomAD 0.11195 and 0.11528; 1000 Genomes Project 0.11841; 1000 Genomes Project 30x 0.11914; TOPMed 0.11943.
gnomAD v4.1: 17,004 of 151,938 alleles (11%); highest among the groups gnomAD compares: Middle Eastern, 20%; 1,273 homozygotes.

Submission:

GeneDx
Classification: Benign. Last evaluated: 2018-06-14. Review status: criteria provided, single submitter. Criteria: GeneDx Variant Classification (06012015). Collection method: clinical testing. Allele origin: germline. Affected: yes.
Comment: This variant is considered likely benign or benign based on one or more of the following criteria: it is a conservative change, it occurs at a poorly conserved position in the protein, it is predicted to be benign by multiple in silico algorithms, and/or has population frequency not consistent with disease.

NM_001854.4(COL11A1):c.4357-335C>G

Gene: COL11A1 (collagen type XI alpha 1 chain; minus strand). Cytogenetic location: 1p21.1.
Variant type: single nucleotide variant.
Coding change: c.4357-335C>G on transcript NM_001854.4 (MANE Select); 335 bases into the intron before coding-DNA position 4357, C replaced by G.
Molecular consequence: intron variant.
Genome position (GRCh38, 1-based): chr1:102,889,897, G>C on the plus strand (C>G on the coding strand, the complement: COL11A1 is on the minus strand). VCF-style: chr1-102889897-G-C. GRCh37 (hg19) VCF-style: chr1-103355453-G-C.
Other names: c.4240-335C>G (NM_001190709.2); c.4393-335C>G (NM_080629.3); c.4009-335C>G (NM_080630.4).
Identifiers: ClinVar variation 681246 (VCV000681246.1), dbSNP rs1241162, ClinGen allele CA28151843.